The following is an entry in ClinVar:

ClinVar aggregate classification (germline): Pathogenic. Review status: criteria provided, multiple submitters, no conflicts (2 of 4 stars). 2 submissions from 2 submitters: Pathogenic (2). Last evaluated 2025-04-21.

Conditions:
HTRA2-Related Disorders.

Allele frequency attached by ClinVar (database versions not stated): gnomAD exomes below 0.00001; gnomAD 0.00003; TOPMed 0.00008.

Submissions (2):

Women's Health and Genetics/Laboratory Corporation of America, LabCorp
Classification: Pathogenic for HTRA2-Related Disorders. Last evaluated: 2025-04-21. Review status: criteria provided, single submitter. Criteria: LabCorp Variant Classification Summary - May 2015. Collection method: clinical testing. Allele origin: germline.
Comment: Variant summary: HTRA2 c.244C>T (p.Gln82X) results in a premature termination codon, predicted to cause a truncation of the encoded protein or absence of the protein due to nonsense mediated decay, which are commonly known mechanisms for disease. The variant was absent in 237172 control chromosomes. To our knowledge, no occurrence of c.244C>T in individuals affected with HTRA2-Related Disorders and no experimental evidence demonstrating its impact on protein function have been reported. ClinVar contains an entry for this variant (Variation ID: 1424738). Based on the evidence outlined above, the variant was classified as pathogenic.

Labcorp Genetics (formerly Invitae), Labcorp
Classification: Pathogenic. Last evaluated: 2025-04-18. Review status: criteria provided, single submitter. Criteria: Invitae Variant Classification Sherloc (09022015). Collection method: clinical testing. Allele origin: germline.
Comment: This sequence change creates a premature translational stop signal (p.Gln82*) in the HTRA2 gene. It is expected to result in an absent or disrupted protein product. Loss-of-function variants in HTRA2 are known to be pathogenic (PMID: 25531304, 27208207, 27696117). This variant is not present in population databases (gnomAD no frequency). This variant has not been reported in the literature in individuals affected with HTRA2-related conditions. ClinVar contains an entry for this variant (Variation ID: 1424738). For these reasons, this variant has been classified as Pathogenic.

Literature cited by the submitters: PubMed 25531304 (cited by Labcorp Genetics (formerly Invitae), Labcorp); PubMed 27208207 (cited by Labcorp Genetics (formerly Invitae), Labcorp); PubMed 27696117 (cited by Labcorp Genetics (formerly Invitae), Labcorp).

NM_013247.5(HTRA2):c.244C>T (p.Gln82Ter)

Gene: HTRA2 (HtrA serine peptidase 2; plus strand). Cytogenetic location: 2p13.1.
Variant type: single nucleotide variant.
Coding change: c.244C>T on transcript NM_013247.5 (MANE Select); coding-DNA position 244, C replaced by T.
Protein change: p.Gln82Ter; replaces glutamine 82 with a stop codon.
Molecular consequence: nonsense. On other transcripts: non-coding transcript variant (1).
Genome position (GRCh38, 1-based): chr2:74,530,250, C>T. VCF-style: chr2-74530250-C-T. GRCh37 (hg19) VCF-style: chr2-74757377-C-T.
Other names: c.244C>T, p.Gln82Ter (NM_001321727.1, NM_001321728.1, NM_145074.2); short protein forms Q82*.
Identifiers: ClinVar variation 1424738 (VCV001424738.8), dbSNP rs1675486182, ClinGen allele CA347377150.